The following is an entry in ClinVar:

ClinVar aggregate classification (germline): Uncertain significance. Review status: criteria provided, multiple submitters, no conflicts (2 of 4 stars). 2 submissions from 2 submitters: Uncertain significance (2). Last evaluated 2025-02-08.

Conditions:
Inborn genetic diseases. Identifiers: MedGen C0950123, MeSH D030342.

Allele frequency attached by ClinVar (database versions not stated): gnomAD 0.00001; gnomAD exomes 0.00004 and 0.00008; TOPMed 0.00005; ExAC 0.00012.
gnomAD v4.1: 60 of 1,613,414 alleles (0.0037%); highest among the groups gnomAD compares: Non-Finnish European, 0.005%; no homozygotes.

Submissions (2):

Ambry Genetics
Classification: Uncertain significance for Inborn genetic diseases. Last evaluated: 2025-02-08. Review status: criteria provided, single submitter. Criteria: Ambry Variant Classification Scheme 2023. Collection method: clinical testing. Allele origin: germline.

Labcorp Genetics (formerly Invitae), Labcorp
Classification: Uncertain significance. Last evaluated: 2023-03-31. Review status: criteria provided, single submitter. Criteria: Invitae Variant Classification Sherloc (09022015). Collection method: clinical testing. Allele origin: germline.
Comment: In summary, the available evidence is currently insufficient to determine the role of this variant in disease. Therefore, it has been classified as a Variant of Uncertain Significance. An algorithm developed to predict the effect of missense changes on protein structure and function (PolyPhen-2) suggests that this variant is likely to be disruptive. ClinVar contains an entry for this variant (Variation ID: 1478790). This variant has not been reported in the literature in individuals affected with MFF-related conditions. This variant is present in population databases (rs779535716, gnomAD 0.02%). This sequence change replaces threonine, which is neutral and polar, with isoleucine, which is neutral and non-polar, at codon 200 of the MFF protein (p.Thr200Ile).

NM_001277062.2(MFF):c.446C>T (p.Thr149Ile)

Gene: MFF (mitochondrial fission factor; plus strand). Cytogenetic location: 2q36.3.
Variant type: single nucleotide variant.
Coding change: c.446C>T on transcript NM_001277062.2 (MANE Select); coding-DNA position 446, C replaced by T.
Protein change: p.Thr149Ile; replaces threonine 149 with isoleucine.
Molecular consequence: missense variant. On other transcripts: intron variant (5).
Genome position (GRCh38, 1-based): chr2:227,347,231, C>T. VCF-style: chr2-227347231-C-T. GRCh37 (hg19) VCF-style: chr2-228211947-C-T.
Other names: c.599C>T, p.Thr200Ile (NM_001277061.2, NM_020194.5); c.296C>T, p.Thr99Ile (NM_001277067.1); c.515+4412C>T (NM_001277063.2); c.441-5283C>T (NM_001277064.2); c.440+6851C>T (NM_001277065.2, NM_001277066.2); c.441-112C>T (NM_001277068.1); c.599C>T (NM_020194.4); short protein forms T149I, T99I, T200I.
Identifiers: ClinVar variation 1478790 (VCV001478790.7), dbSNP rs779535716, ClinGen allele CA2147961.